The following is an entry in ClinVar:

ClinVar aggregate classification (germline): Uncertain significance (1 of 4 stars; one submission).

Conditions:
Primary familial hypertrophic cardiomyopathy (HCM). Identifiers: Orphanet 99739, MedGen C0949658, MeSH D024741, MONDO:0024573. Inheritance: Various modes of inheritance.
Hypertrophic cardiomyopathy 25 (CMH25). Also called: CARDIOMYOPATHY, FAMILIAL HYPERTROPHIC, 25. Identifiers: MedGen C4225408, MONDO:0011843, OMIM 607487.

gnomAD v4.1: 1 of 1,610,148 alleles (0.000062%); highest among the groups gnomAD compares: South Asian, 0.0011%; no homozygotes.

Submission:

Labcorp Genetics (formerly Invitae), Labcorp
Classification: Uncertain significance for Hypertrophic cardiomyopathy 25; Primary familial hypertrophic cardiomyopathy. Last evaluated: 2024-10-24. Review status: criteria provided, single submitter. Criteria: Invitae Variant Classification Sherloc (09022015). Collection method: clinical testing. Allele origin: germline.
Comment: This sequence change creates a premature translational stop signal (p.Gln82*) in the TCAP gene. While this is not anticipated to result in nonsense mediated decay, it is expected to disrupt the last 86 amino acid(s) of the TCAP protein. This variant is not present in population databases (gnomAD no frequency). This premature translational stop signal has been observed in individual(s) with autosomal recessive TCAP-related conditions (PMID: 25724973, 33250842). Experimental studies and prediction algorithms are not available or were not evaluated, and the functional significance of this variant is currently unknown. In summary, the available evidence is currently insufficient to determine the role of this variant in disease. Therefore, it has been classified as a Variant of Uncertain Significance.

Literature cited by the submitters: PubMed 25724973; PubMed 33250842.

NM_003673.4(TCAP):c.244C>T (p.Gln82Ter)

Gene: TCAP (titin-cap; plus strand). Cytogenetic location: 17q12.
Variant type: single nucleotide variant.
Coding change: c.244C>T on transcript NM_003673.4 (MANE Select); coding-DNA position 244, C replaced by T.
Protein change: p.Gln82Ter; replaces glutamine 82 with a stop codon.
Molecular consequence: nonsense.
Genome position (GRCh38, 1-based): chr17:39,665,849, C>T. VCF-style: chr17-39665849-C-T. GRCh37 (hg19) VCF-style: chr17-37822102-C-T.
Other names: short protein forms Q82*.
Identifiers: ClinVar variation 3758772 (VCV003758772.2).
Genomic context (GRCh38, chr17:39,665,849, plus strand): 5'-CAGCGCTCGCCCTGGCTGATGATGCGGATGGGCATCCTCGGCCGTGGGCTGCAGGAGTAC[C>T]AGCTGCCCTACCAGCGGGTACTGCCGCTGCCCATCTTCACCCCTGCCAAGATGGGCGCCA-3'